The following is an entry in ClinVar:

ClinVar aggregate classification (germline): Uncertain significance. Review status: criteria provided, multiple submitters, no conflicts (2 of 4 stars). 2 submissions from 2 submitters: Uncertain significance (2). Last evaluated 2025-04-23.

Conditions:
Hereditary cancer-predisposing syndrome. Also called: Neoplastic Syndromes, Hereditary; Tumor predisposition; Hereditary neoplastic syndrome; Hereditary Cancer Syndrome. Identifiers: Orphanet 140162, MedGen C0027672, MeSH D009386, MONDO:0015356.

Allele frequency attached by ClinVar (database versions not stated): gnomAD exomes below 0.00001.
gnomAD v4.1: 2 of 1,613,592 alleles (0.00012%); highest among the groups gnomAD compares: Non-Finnish European, 0.00017%; no homozygotes.

Submissions (2):

Ambry Genetics
Classification: Uncertain significance for Hereditary cancer-predisposing syndrome. Last evaluated: 2025-04-23. Review status: criteria provided, single submitter. Criteria: Ambry Variant Classification Scheme 2023. Collection method: clinical testing. Allele origin: germline.
Comment: The p.L1546R variant (also known as c.4637T>G), located in coding exon 36 of the POLE gene, results from a T to G substitution at nucleotide position 4637. The leucine at codon 1546 is replaced by arginine, an amino acid with dissimilar properties. This amino acid position is highly conserved in available vertebrate species. In addition, the in silico prediction for this alteration is inconclusive. Based on the available evidence, the clinical significance of this variant remains unclear.

Labcorp Genetics (formerly Invitae), Labcorp
Classification: Uncertain significance. Last evaluated: 2021-04-23. Review status: criteria provided, single submitter. Criteria: Invitae Variant Classification Sherloc (09022015). Collection method: clinical testing. Allele origin: germline.
Comment: This sequence change replaces leucine with arginine at codon 1546 of the POLE protein (p.Leu1546Arg). The leucine residue is moderately conserved and there is a moderate physicochemical difference between leucine and arginine. This variant is not present in population databases (ExAC no frequency). This variant has not been reported in the literature in individuals with POLE-related disease. Algorithms developed to predict the effect of missense changes on protein structure and function (SIFT, PolyPhen-2, Align-GVGD) all suggest that this variant is likely to be tolerated, but these predictions have not been confirmed by published functional studies and their clinical significance is uncertain. In summary, the available evidence is currently insufficient to determine the role of this variant in disease. Therefore, it has been classified as a Variant of Uncertain Significance.

NM_006231.4(POLE):c.4637T>G (p.Leu1546Arg)

Gene: POLE (DNA polymerase epsilon, catalytic subunit; minus strand). Cytogenetic location: 12q24.33.
Variant type: single nucleotide variant.
Coding change: c.4637T>G on transcript NM_006231.4 (MANE Select); coding-DNA position 4637, T replaced by G.
Protein change: p.Leu1546Arg; replaces leucine 1546 with arginine.
Molecular consequence: missense variant.
Genome position (GRCh38, 1-based): chr12:132,642,911, A>C on the plus strand (T>G on the coding strand, the complement: POLE is on the minus strand). VCF-style: chr12-132642911-A-C. GRCh37 (hg19) VCF-style: chr12-133219497-A-C.
Other names: c.4637T>G (NM_006231.2); short protein forms L1546R.
Identifiers: ClinVar variation 567039 (VCV000567039.11), dbSNP rs1565938434, ClinGen allele CA387379060.
Genomic context (GRCh38, chr12:132,642,911, plus strand): 5'-CTGCAGATGGTCTTCAGGTCAGTTTCTGCCCGAACTTCGAAGGTGTGTTTGGGGGGTGGC[A>C]GGAGCTCAGGGCCCACCTTCTCCAGGAGGAGGCCGTGCTCTGCTGAGTACAGGGCGCCAA-3'
Protein context (NP_006222.2, residues 1536-1556): LLLEKVGPEL[Leu1546Arg]PPPKHTFEVR